The following is an entry in ClinVar:

NM_001853.4(COL9A3):c.792G>A (p.Ala264=)

Gene: COL9A3 (collagen type IX alpha 3 chain; plus strand). Cytogenetic location: 20q13.33.
Variant type: single nucleotide variant.
Coding change: c.792G>A on transcript NM_001853.4 (MANE Select); coding-DNA position 792, G replaced by A.
Protein change: p.Ala264=; no amino-acid change (alanine 264 retained).
Molecular consequence: synonymous variant.
Genome position (GRCh38, 1-based): chr20:62,826,820, G>A. VCF-style: chr20-62826820-G-A. GRCh37 (hg19) VCF-style: chr20-61458172-G-A.
Identifiers: ClinVar variation 1308700 (VCV001308700.8), dbSNP rs150059093, ClinGen allele CA9949499.
Genomic context (GRCh38, chr20:62,826,820, plus strand): 5'-TCTGCAGGGTCCCATTGGGTTCCGAGGGCCGCCTGGGATCCCAGGAGCGCCTGGGAAAGC[G>A]GTACGTGTGTCAGTGGACGGTGGGCGCCATGCCTCGTGACCTCTCTCCCCTTTCCCTCTG-3'
Protein context (NP_001844.3, residues 254-274): PPGIPGAPGK[Ala264=]GDRGERGPEG

ClinVar aggregate classification (germline): Uncertain significance. Review status: criteria provided, multiple submitters, no conflicts (2 of 4 stars). 3 submissions from 3 submitters: Uncertain significance (3). Last evaluated 2025-04-17.

Allele frequency attached by ClinVar (database versions not stated): TOPMed 0.00002; gnomAD 0.00003; gnomAD exomes 0.00005; ExAC 0.00008; ESP Exome Variant Server 0.00008; 1000 Genomes Project 30x 0.00016; 1000 Genomes Project 0.00020.
gnomAD v4.1: 83 of 1,612,748 alleles (0.0051%); highest among the groups gnomAD compares: South Asian, 0.021%; no homozygotes.

Submissions (3):

Labcorp Genetics (formerly Invitae), Labcorp
Classification: Uncertain significance. Last evaluated: 2025-04-17. Review status: criteria provided, single submitter. Criteria: Invitae Variant Classification Sherloc (09022015). Collection method: clinical testing. Allele origin: germline.
Comment: This sequence change affects codon 264 of the COL9A3 mRNA. It is a 'silent' change, meaning that it does not change the encoded amino acid sequence of the COL9A3 protein. It affects a nucleotide within the consensus splice site. This variant is present in population databases (rs150059093, gnomAD 0.02%). This variant has not been reported in the literature in individuals affected with COL9A3-related conditions. ClinVar contains an entry for this variant (Variation ID: 1308700). Algorithms developed to predict the effect of sequence changes on RNA splicing suggest that this variant may disrupt the consensus splice site. In summary, the available evidence is currently insufficient to determine the role of this variant in disease. Therefore, it has been classified as a Variant of Uncertain Significance.

Blueprint Genetics
Classification: Uncertain significance. Last evaluated: 2023-03-17. Review status: criteria provided, single submitter. Criteria: ACMG Guidelines, 2015. Collection method: clinical testing. Allele origin: germline.

GeneDx
Classification: Uncertain significance. Last evaluated: 2019-09-18. Review status: criteria provided, single submitter. Criteria: GeneDx Variant Classification Process June 2021. Collection method: clinical testing. Allele origin: germline. Affected: yes.
Comment: Has not been previously published as pathogenic or benign to our knowledge; In-silico analysis, which includes splice predictors and evolutionary conservation, is inconclusive as to whether the variant alters gene splicing; in the absence of RNA/functional studies, the actual effect of this sequence change is unknown